The following is an entry in ClinVar:

NM_001257096.2(PAX1):c.772A>G (p.Ser258Gly)

Gene: PAX1 (paired box 1; plus strand). Cytogenetic location: 20p11.22.
Variant type: single nucleotide variant.
Coding change: c.772A>G on transcript NM_001257096.2 (MANE Select); coding-DNA position 772, A replaced by G.
Protein change: p.Ser258Gly; replaces serine 258 with glycine.
Molecular consequence: missense variant.
Genome position (GRCh38, 1-based): chr20:21,706,923, A>G. VCF-style: chr20-21706923-A-G. GRCh37 (hg19) VCF-style: chr20-21687561-A-G.
Other names: c.772A>G, p.Ser258Gly (NM_006192.5); short protein forms S258G.
Identifiers: ClinVar variation 2015469 (VCV002015469.4), dbSNP rs1985028439, ClinGen allele CA408498690.

ClinVar aggregate classification (germline): Uncertain significance (1 of 4 stars; one submission).

Submission:

Labcorp Genetics (formerly Invitae), Labcorp
Classification: Uncertain significance. Last evaluated: 2022-07-17. Review status: criteria provided, single submitter. Criteria: Invitae Variant Classification Sherloc (09022015). Collection method: clinical testing. Allele origin: germline.
Comment: This variant is not present in population databases (gnomAD no frequency). In summary, the available evidence is currently insufficient to determine the role of this variant in disease. Therefore, it has been classified as a Variant of Uncertain Significance. Algorithms developed to predict the effect of missense changes on protein structure and function (SIFT, PolyPhen-2, Align-GVGD) all suggest that this variant is likely to be tolerated. This variant has not been reported in the literature in individuals affected with PAX1-related conditions. This sequence change replaces serine, which is neutral and polar, with glycine, which is neutral and non-polar, at codon 258 of the PAX1 protein (p.Ser258Gly).